The following is an entry in ClinVar:

ClinVar aggregate classification (germline): Uncertain significance (1 of 4 stars; one submission).

Submission:

Ambry Genetics
Classification: Uncertain significance. Last evaluated: 2021-07-14. Review status: criteria provided, single submitter. Criteria: Ambry Variant Classification Scheme 2023. Collection method: clinical testing. Allele origin: germline.
Comment: The p.N1534K variant (also known as c.4602C>A), located in coding exon 36 of the PRKDC gene, results from a C to A substitution at nucleotide position 4602. The asparagine at codon 1534 is replaced by lysine, an amino acid with similar properties. This amino acid position is conserved. In addition, this alteration is predicted to be tolerated by in silico analysis. Since supporting evidence is limited at this time, the clinical significance of this alteration remains unclear.

NM_006904.7(PRKDC):c.4602C>A (p.Asn1534Lys)

Gene: PRKDC (protein kinase, DNA-activated, catalytic subunit; minus strand). Cytogenetic location: 8q11.21.
Variant type: single nucleotide variant.
Coding change: c.4602C>A on transcript NM_006904.7 (MANE Select); coding-DNA position 4602, C replaced by A.
Protein change: p.Asn1534Lys; replaces asparagine 1534 with lysine.
Molecular consequence: missense variant.
Genome position (GRCh38, 1-based): chr8:47,886,118, G>T on the plus strand (C>A on the coding strand, the complement: PRKDC is on the minus strand). VCF-style: chr8-47886118-G-T. GRCh37 (hg19) VCF-style: chr8-48798679-G-T.
Other names: c.4602C>A, p.Asn1534Lys (NM_001081640.2); short protein forms N1534K.
Identifiers: ClinVar variation 1741830 (VCV001741830.2), dbSNP rs2551873165, ClinGen allele CA371143285.